The following is an entry in ClinVar:

ClinVar aggregate classification (germline): Likely benign. Review status: criteria provided, multiple submitters, no conflicts (2 of 4 stars). 2 submissions from 2 submitters: Likely benign (2). Last evaluated 2026-08-01.

Allele frequency attached by ClinVar (database versions not stated): gnomAD 0.00002.

Submissions (2):

CeGaT Center for Human Genetics Tuebingen
Classification: Likely benign. Last evaluated: 2026-08-01. Review status: criteria provided, single submitter. Criteria: CeGaT Center For Human Genetics Tuebingen Variant Classification Criteria Version 2. Collection method: clinical testing. Allele origin: germline. Affected: yes. Observed: 8 variant alleles.
Comment: MAGEL2: BP4, BP7

Labcorp Genetics (formerly Invitae), Labcorp
Classification: Likely benign. Last evaluated: 2025-10-23. Review status: criteria provided, single submitter. Criteria: Invitae Variant Classification Sherloc (09022015). Collection method: clinical testing. Allele origin: germline.

NM_019066.5(MAGEL2):c.1368C>T (p.Pro456=)

Gene: MAGEL2 (MAGE family member L2; minus strand). Cytogenetic location: 15q11.2.
Variant type: single nucleotide variant.
Coding change: c.1368C>T on transcript NM_019066.5 (MANE Select); coding-DNA position 1368, C replaced by T.
Protein change: p.Pro456=; no amino-acid change (proline 456 retained).
Molecular consequence: synonymous variant.
Genome position (GRCh38, 1-based): chr15:23,646,375, G>A on the plus strand (C>T on the coding strand, the complement: MAGEL2 is on the minus strand). VCF-style: chr15-23646375-G-A. GRCh37 (hg19) VCF-style: chr15-23891522-G-A.
Identifiers: ClinVar variation 2179339 (VCV002179339.28), dbSNP rs1056905001, ClinGen allele CA489229064.